The following is an entry in ClinVar:

NM_020632.3(ATP6V0A4):c.1144G>A (p.Ala382Thr)

Gene: ATP6V0A4 (ATPase H+ transporting V0 subunit a4; minus strand). Cytogenetic location: 7q34.
Variant type: single nucleotide variant.
Coding change: c.1144G>A on transcript NM_020632.3 (MANE Select); coding-DNA position 1144, G replaced by A.
Protein change: p.Ala382Thr; replaces alanine 382 with threonine.
Molecular consequence: missense variant.
Genome position (GRCh38, 1-based): chr7:138,749,203, C>T on the plus strand (G>A on the coding strand, the complement: ATP6V0A4 is on the minus strand). VCF-style: chr7-138749203-C-T. GRCh37 (hg19) VCF-style: chr7-138433948-C-T.
Other names: c.1144G>A, p.Ala382Thr (NM_130840.3, NM_130841.3); short protein forms A382T.
Identifiers: ClinVar variation 4088257 (VCV004088257.1).

ClinVar aggregate classification (germline): Uncertain significance (1 of 4 stars; one submission).

gnomAD v4.1: 4 of 1,613,474 alleles (0.00025%); highest among the groups gnomAD compares: Non-Finnish European, 0.00034%; no homozygotes.

Submission:

GeneDx
Classification: Uncertain significance. Last evaluated: 2025-03-24. Review status: criteria provided, single submitter. Criteria: GeneDx Variant Classification Process June 2021. Collection method: clinical testing. Allele origin: germline. Affected: yes.
Comment: Not observed at significant frequency in large population cohorts (gnomAD); In silico analysis supports that this missense variant has a deleterious effect on protein structure/function; Has not been previously published as pathogenic or benign to our knowledge